The following is an entry in ClinVar:

NM_000271.5(NPC1):c.3286GAC[1] (p.Asp1097del)

Gene: NPC1 (NPC intracellular cholesterol transporter 1; minus strand). Cytogenetic location: 18q11.2.
Variant type: Microsatellite.
Coding change: c.3286GAC[1] on transcript NM_000271.5 (MANE Select); one copy of the 3-base unit GAC starting at c.3286; the reference has two copies in a row; one copy, 3 bases deleted.
Protein change: p.Asp1097del; deletes aspartic acid 1097.
Molecular consequence: inframe deletion.
Genome position (GRCh38, 1-based): chr18:23,535,655-23,535,657, GTC deleted on the plus strand (GAC on the coding strand, the reverse complement: NPC1 is on the minus strand); deleting any 3 consecutive bases within chr18:23,535,655-23,535,660 gives the same sequence; the position shown is the placement nearest the transcript's 3' end. VCF-style (leftmost placement, unchanged base first): chr18-23535654-TGTC-T. GRCh37 (hg19) VCF-style: chr18-21115618-TGTC-T.
Other names: short protein forms D1097del.
Identifiers: ClinVar variation 4818066 (VCV004818066.1).

ClinVar aggregate classification (germline): Likely pathogenic (1 of 4 stars; one submission).

Conditions:
Niemann-Pick disease, type C1. Also called: NIEMANN-PICK DISEASE, VARIANT TYPE C1; NEUROVISCERAL STORAGE DISEASE WITH VERTICAL SUPRANUCLEAR OPHTHALMOPLEGIA; NIEMANN-PICK DISEASE WITH CHOLESTEROL ESTERIFICATION BLOCK; NIEMANN-PICK DISEASE WITHOUT SPHINGOMYELINASE DEFICIENCY; NIEMANN-PICK DISEASE, CHRONIC NEURONOPATHIC FORM. Identifiers: Orphanet 646, MedGen C3179455, MONDO:0009757, OMIM 257220.

Submission:

Natera, Inc.
Classification: Likely pathogenic for Niemann-Pick disease type C1. Last evaluated: 2024-06-20. Review status: criteria provided, single submitter. Criteria: Natera Variant Classification Schema (03/2026). Collection method: clinical testing. Allele origin: germline.
Comment: The c.3289_3291delGAC variant in NPC1 is an in-frame deletion predicted to remove aspartic acid at amino acid 1097 while preserving the reading frame. This variant is rare in the general population with a frequency below the threshold expected for the associated phenotype(s). This variant has been observed in one or more individuals affected with the associated recessive disease, as either homozygous or compound heterozygous with a second variant (PMID: 33598405, 26666848). Additionally, this variant has been observed to segregate in affected family members (PMID: 26666848). This variant results in a change to the protein length while preserving reading frame, which may disrupt normal protein structure or function. Computational prediction algorithms indicate this variant is likely to affect gene or protein function. Given the available evidence, this variant is classified as Likely Pathogenic.

Literature cited by the submitters: PubMed 33598405; PubMed 26666848.